The following is an entry in ClinVar:

NM_001378454.1(ALMS1):c.9605C>T (p.Thr3202Ile)

Gene: ALMS1 (ALMS1 centrosome and basal body associated protein; plus strand). Cytogenetic location: 2p13.1.
Variant type: single nucleotide variant.
Coding change: c.9605C>T on transcript NM_001378454.1 (MANE Select); coding-DNA position 9605, C replaced by T.
Protein change: p.Thr3202Ile; replaces threonine 3202 with isoleucine.
Molecular consequence: missense variant.
Genome position (GRCh38, 1-based): chr2:73,519,840, C>T. VCF-style: chr2-73519840-C-T. GRCh37 (hg19) VCF-style: chr2-73746967-C-T.
Other names: c.9608C>T, p.Thr3203Ile (NM_015120.4); short protein forms T3203I, T3202I.
Identifiers: ClinVar variation 1767545 (VCV001767545.6), dbSNP rs749968807, ClinGen allele CA1714710.

ClinVar aggregate classification (germline): Uncertain significance. Review status: criteria provided, multiple submitters, no conflicts (2 of 4 stars). 3 submissions from 3 submitters: Uncertain significance (3). Last evaluated 2025-02-11.

Conditions:
Cardiovascular phenotype. Identifiers: MedGen CN230736.
Alstrom syndrome (ALMS). Identifiers: Orphanet 64, MedGen C0268425, MONDO:0008763, OMIM 203800.

Allele frequency attached by ClinVar (database versions not stated): TOPMed 0.00003; gnomAD 0.00004.
gnomAD v4.1: 15 of 1,613,802 alleles (0.00093%); highest among the groups gnomAD compares: African/African-American, 0.013%; no homozygotes.

Submissions (3):

GeneDx
Classification: Uncertain significance. Last evaluated: 2025-02-11. Review status: criteria provided, single submitter. Criteria: GeneDx Variant Classification Process June 2021. Collection method: clinical testing. Allele origin: germline. Affected: yes.
Comment: In silico analysis supports that this missense variant has a deleterious effect on protein structure/function; Has not been previously published as pathogenic or benign to our knowledge

Ambry Genetics
Classification: Uncertain significance for Cardiovascular phenotype. Last evaluated: 2024-06-03. Review status: criteria provided, single submitter. Criteria: Ambry Variant Classification Scheme 2023. Collection method: clinical testing. Allele origin: germline.
Comment: The p.T3203I variant (also known as c.9608C>T), located in coding exon 11 of the ALMS1 gene, results from a C to T substitution at nucleotide position 9608. The threonine at codon 3203 is replaced by isoleucine, an amino acid with similar properties. This amino acid position is highly conserved in available vertebrate species. In addition, this alteration is predicted to be deleterious by in silico analysis. Based on the available evidence, the clinical significance of this variant remains unclear.

Labcorp Genetics (formerly Invitae), Labcorp
Classification: Uncertain significance for Alstrom syndrome. Last evaluated: 2022-03-28. Review status: criteria provided, single submitter. Criteria: Invitae Variant Classification Sherloc (09022015). Collection method: clinical testing. Allele origin: germline.
Comment: This sequence change replaces threonine, which is neutral and polar, with isoleucine, which is neutral and non-polar, at codon 3203 of the ALMS1 protein (p.Thr3203Ile). This variant is present in population databases (rs749968807, gnomAD 0.02%). This variant has not been reported in the literature in individuals affected with ALMS1-related conditions. In summary, the available evidence is currently insufficient to determine the role of this variant in disease. Therefore, it has been classified as a Variant of Uncertain Significance.